The following is an entry in ClinVar:

NM_172369.5(C1QC):c.164G>A (p.Gly55Glu)

Gene: C1QC (complement C1q C chain; plus strand). Cytogenetic location: 1p36.12.
Variant type: single nucleotide variant.
Coding change: c.164G>A on transcript NM_172369.5 (MANE Select); coding-DNA position 164, G replaced by A.
Protein change: p.Gly55Glu; replaces glycine 55 with glutamic acid.
Molecular consequence: missense variant. On other transcripts: intron variant (1).
Genome position (GRCh38, 1-based): chr1:22,644,187, G>A. VCF-style: chr1-22644187-G-A. GRCh37 (hg19) VCF-style: chr1-22970680-G-A.
Other names: c.164G>A, p.Gly55Glu (NM_001114101.3, NM_001347619.2); c.-87+473G>A (NM_001347620.2); short protein forms G55E.
Identifiers: ClinVar variation 2092558 (VCV002092558.4), dbSNP rs1642328073, ClinGen allele CA338933439.
Genomic context (GRCh38, chr1:22,644,187, plus strand): 5'-TCCCAGGGATGCCCGGCCTGCCCGGGGCACCAGGGAAGGATGGGTACGACGGACTGCCGG[G>A]GCCCAAGGGGGAGCCAGGTGAGTCTGCTGGCCTGGTTTGGGGGTTTGGGTCTGGGGCAGG-3'
Protein context (NP_758957.2, residues 45-65): PGKDGYDGLP[Gly55Glu]PKGEPGIPAI

ClinVar aggregate classification (germline): Uncertain significance (1 of 4 stars; one submission).

Submission:

Labcorp Genetics (formerly Invitae), Labcorp
Classification: Uncertain significance. Last evaluated: 2022-06-10. Review status: criteria provided, single submitter. Criteria: Invitae Variant Classification Sherloc (09022015). Collection method: clinical testing. Allele origin: germline.
Comment: This missense change has been observed in individual(s) with clinical features of C1q deficiency (Invitae). It has also been observed to segregate with disease in related individuals. In summary, the available evidence is currently insufficient to determine the role of this variant in disease. Therefore, it has been classified as a Variant of Uncertain Significance. Algorithms developed to predict the effect of missense changes on protein structure and function are either unavailable or do not agree on the potential impact of this missense change (SIFT: "Deleterious"; PolyPhen-2: "Probably Damaging"; Align-GVGD: "Class C0"). This variant is not present in population databases (gnomAD no frequency). This sequence change replaces glycine, which is neutral and non-polar, with glutamic acid, which is acidic and polar, at codon 55 of the C1QC protein (p.Gly55Glu).